The following is an entry in ClinVar:

ClinVar aggregate classification (germline): Uncertain significance. Review status: criteria provided, multiple submitters, no conflicts (2 of 4 stars). 2 submissions from 2 submitters: Uncertain significance (2). Last evaluated 2024-12-10.

Conditions:
Inborn genetic diseases. Identifiers: MedGen C0950123, MeSH D030342.

gnomAD v4.1: 3 of 1,614,124 alleles (0.00019%); highest among the groups gnomAD compares: Non-Finnish European, 0.000085%; no homozygotes.

Submissions (2):

Ambry Genetics
Classification: Uncertain significance for Inborn genetic diseases. Last evaluated: 2024-12-10. Review status: criteria provided, single submitter. Criteria: Ambry Variant Classification Scheme 2023. Collection method: clinical testing. Allele origin: germline.
Comment: The p.K90N variant (also known as c.270G>T), located in coding exon 1 of the SAMD9 gene, results from a G to T substitution at nucleotide position 270. The lysine at codon 90 is replaced by asparagine, an amino acid with similar properties. This amino acid position is conserved. In addition, this alteration is predicted to be tolerated by in silico analysis. Based on the available evidence, the clinical significance of this variant remains unclear.

GeneDx
Classification: Uncertain significance. Last evaluated: 2023-04-12. Review status: criteria provided, single submitter. Criteria: GeneDx Variant Classification Process June 2021. Collection method: clinical testing. Allele origin: germline. Affected: yes.
Comment: Not observed at significant frequency in large population cohorts (gnomAD); In silico analysis supports that this missense variant does not alter protein structure/function; Has not been previously published as pathogenic or benign to our knowledge

NM_017654.4(SAMD9):c.270G>T (p.Lys90Asn)

Gene: SAMD9 (sterile alpha motif domain containing 9; minus strand). Cytogenetic location: 7q21.2.
Variant type: single nucleotide variant.
Coding change: c.270G>T on transcript NM_017654.4 (MANE Select); coding-DNA position 270, G replaced by T.
Protein change: p.Lys90Asn; replaces lysine 90 with asparagine.
Molecular consequence: missense variant.
Genome position (GRCh38, 1-based): chr7:93,105,828, C>A on the plus strand (G>T on the coding strand, the complement: SAMD9 is on the minus strand). VCF-style: chr7-93105828-C-A. GRCh37 (hg19) VCF-style: chr7-92735141-C-A.
Other names: c.270G>T, p.Lys90Asn (NM_001193307.2); short protein forms K90N.
Identifiers: ClinVar variation 2662659 (VCV002662659.2), dbSNP rs2535363710, ClinGen allele CA368205606.